The following is an entry in ClinVar:

NM_004329.3(BMPR1A):c.145A>C (p.Thr49Pro)

Gene: BMPR1A (bone morphogenetic protein receptor type 1A; plus strand). Cytogenetic location: 10q23.2.
Variant type: single nucleotide variant.
Coding change: c.145A>C on transcript NM_004329.3 (MANE Select); coding-DNA position 145, A replaced by C.
Protein change: p.Thr49Pro; replaces threonine 49 with proline.
Molecular consequence: missense variant. On other transcripts: non-coding transcript variant (3).
Genome position (GRCh38, 1-based): chr10:86,890,139, A>C. VCF-style: chr10-86890139-A-C. GRCh37 (hg19) VCF-style: chr10-88649896-A-C.
Other names: c.145A>C, p.Thr49Pro (NM_001406559.1, NM_001406560.1, NM_001406561.1 and 23 more transcripts); c.61A>C, p.Thr21Pro (NM_001406584.1, NM_001406585.1, NM_001406586.1 and 2 more transcripts); short protein forms T21P, T49P.
Identifiers: ClinVar variation 5032954 (VCV005032954.1).

ClinVar aggregate classification (germline): Uncertain significance (1 of 4 stars; one submission).

Conditions:
Hereditary cancer-predisposing syndrome. Also called: Neoplastic Syndromes, Hereditary; Tumor predisposition; Hereditary neoplastic syndrome; Hereditary Cancer Syndrome. Identifiers: Orphanet 140162, MedGen C0027672, MeSH D009386, MONDO:0015356.

Submission:

Ambry Genetics
Classification: Uncertain significance for Hereditary cancer-predisposing syndrome. Last evaluated: 2026-07-02. Review status: criteria provided, single submitter. Criteria: Ambry Variant Classification Scheme 2023. Collection method: clinical testing. Allele origin: germline.
Comment: The p.T49P variant (also known as c.145A>C), located in coding exon 2 of the BMPR1A gene, results from an A to C substitution at nucleotide position 145. The threonine at codon 49 is replaced by proline, an amino acid with highly similar properties. This amino acid position is conserved. In addition, this alteration is predicted to be deleterious by in silico analysis. Based on the available evidence, the clinical significance of this variant remains unclear.